The following is an entry in ClinVar:

ClinVar aggregate classification (germline): Uncertain significance (1 of 4 stars; one submission).

Conditions:
Congenital contractural arachnodactyly (CCA). Also called: Arthrogryposis, distal, type 9; BEALS SYNDROME; Beals-Hecht syndrome. Identifiers: Orphanet 115, MedGen C0220668, MONDO:0007363, OMIM 121050.

Allele frequency attached by ClinVar (database versions not stated): TOPMed below 0.00001.

Submission:

Labcorp Genetics (formerly Invitae), Labcorp
Classification: Uncertain significance for Congenital contractural arachnodactyly. Last evaluated: 2022-10-01. Review status: criteria provided, single submitter. Criteria: Invitae Variant Classification Sherloc (09022015). Collection method: clinical testing. Allele origin: germline.
Comment: This sequence change replaces glycine, which is neutral and non-polar, with alanine, which is neutral and non-polar, at codon 694 of the FBN2 protein (p.Gly694Ala). In summary, the available evidence is currently insufficient to determine the role of this variant in disease. Therefore, it has been classified as a Variant of Uncertain Significance. Advanced modeling of protein sequence and biophysical properties (such as structural, functional, and spatial information, amino acid conservation, physicochemical variation, residue mobility, and thermodynamic stability) performed at Invitae indicates that this missense variant is expected to disrupt FBN2 protein function. This variant has not been reported in the literature in individuals affected with FBN2-related conditions. This variant is not present in population databases (gnomAD no frequency).

NM_001999.4(FBN2):c.2081G>C (p.Gly694Ala)

Gene: FBN2 (fibrillin 2; minus strand). Cytogenetic location: 5q23.3.
Variant type: single nucleotide variant.
Coding change: c.2081G>C on transcript NM_001999.4 (MANE Select); coding-DNA position 2081, G replaced by C.
Protein change: p.Gly694Ala; replaces glycine 694 with alanine.
Molecular consequence: missense variant.
Genome position (GRCh38, 1-based): chr5:128,374,642, C>G on the plus strand (G>C on the coding strand, the complement: FBN2 is on the minus strand). VCF-style: chr5-128374642-C-G. GRCh37 (hg19) VCF-style: chr5-127710335-C-G.
Other names: short protein forms G694A.
Identifiers: ClinVar variation 1915276 (VCV001915276.5), dbSNP rs1306478428, ClinGen allele CA360740154.
Genomic context (GRCh38, chr5:128,374,642, plus strand): 5'-AAAGATCATTTTGCACAGTGGGGCCATTATAAAATGTTTCACTTACCAACACACACACGT[C>G]CATCCATGCCCACAGCCAGGCCTGGGGGACAGTCACAGCGGAAGGACCCTTCACTGTTGA-3'
Protein context (NP_001990.2, residues 684-704): CPPGLAVGMD[Gly694Ala]RVCVDTHMRS